The following is an entry in ClinVar:

NM_000944.5(PPP3CA):c.983T>C (p.Val328Ala)

Gene: PPP3CA (protein phosphatase 3 catalytic subunit alpha; minus strand). Cytogenetic location: 4q24.
Variant type: single nucleotide variant.
Coding change: c.983T>C on transcript NM_000944.5 (MANE Select); coding-DNA position 983, T replaced by C.
Protein change: p.Val328Ala; replaces valine 328 with alanine.
Molecular consequence: missense variant. On other transcripts: intron variant (1).
Genome position (GRCh38, 1-based): chr4:101,063,330, A>G on the plus strand (T>C on the coding strand, the complement: PPP3CA is on the minus strand). VCF-style: chr4-101063330-A-G. GRCh37 (hg19) VCF-style: chr4-101984487-A-G.
Other names: c.983T>C, p.Val328Ala (NM_001130691.2); c.956-2169T>C (NM_001130692.2); short protein forms V328A.
Identifiers: ClinVar variation 3361375 (VCV003361375.1).

ClinVar aggregate classification (germline): Uncertain significance (1 of 4 stars; one submission).

Submission:

GeneDx
Classification: Uncertain significance. Last evaluated: 2023-07-26. Review status: criteria provided, single submitter. Criteria: GeneDx Variant Classification Process June 2021. Collection method: clinical testing. Allele origin: germline. Affected: yes.
Comment: Not observed at significant frequency in large population cohorts (gnomAD); In silico analysis supports that this missense variant has a deleterious effect on protein structure/function; Has not been previously published as pathogenic or benign to our knowledge